The following is an entry in ClinVar:

NM_000304.4(PMP22):c.73G>A (p.Val25Ile)

Gene: PMP22 (peripheral myelin protein 22; minus strand). Cytogenetic location: 17p12.
Variant type: single nucleotide variant.
Coding change: c.73G>A on transcript NM_000304.4 (MANE Select); coding-DNA position 73, G replaced by A.
Protein change: p.Val25Ile; replaces valine 25 with isoleucine.
Molecular consequence: missense variant.
Genome position (GRCh38, 1-based): chr17:15,260,655, C>T on the plus strand (G>A on the coding strand, the complement: PMP22 is on the minus strand). VCF-style: chr17-15260655-C-T. GRCh37 (hg19) VCF-style: chr17-15163972-C-T.
Other names: c.73G>A, p.Val25Ile (NM_001281455.2, NM_001281456.2, NM_001330143.2 and 2 more transcripts); short protein forms V25I.
Identifiers: ClinVar variation 1706865 (VCV001706865.4), dbSNP rs2508226786, ClinGen allele CA398271660.

ClinVar aggregate classification (germline): Uncertain significance. Review status: criteria provided, multiple submitters, no conflicts (2 of 4 stars). 2 submissions from 2 submitters: Uncertain significance (2). Last evaluated 2024-02-01.

Conditions:
Charcot-Marie-Tooth disease, type I (CMT1). Also called: Charcot-Marie-Tooth, Type 1; Charcot-Marie-Tooth disease type 1. Identifiers: Orphanet 65753, MedGen C0751036, MONDO:0019011.

Allele frequency attached by ClinVar (database versions not stated): gnomAD exomes below 0.00001.
gnomAD v4.1: 2 of 1,551,998 alleles (0.00013%); highest among the groups gnomAD compares: Non-Finnish European, 0.00017%; no homozygotes.

Submissions (2):

Labcorp Genetics (formerly Invitae), Labcorp
Classification: Uncertain significance for Charcot-Marie-Tooth disease, type I. Last evaluated: 2024-02-01. Review status: criteria provided, single submitter. Criteria: Invitae Variant Classification Sherloc (09022015). Collection method: clinical testing. Allele origin: germline.
Comment: This sequence change replaces valine, which is neutral and non-polar, with isoleucine, which is neutral and non-polar, at codon 25 of the PMP22 protein (p.Val25Ile). This variant is not present in population databases (gnomAD no frequency). This variant has not been reported in the literature in individuals affected with PMP22-related conditions. ClinVar contains an entry for this variant (Variation ID: 1706865). Advanced modeling of protein sequence and biophysical properties (such as structural, functional, and spatial information, amino acid conservation, physicochemical variation, residue mobility, and thermodynamic stability) performed at Invitae indicates that this missense variant is not expected to disrupt PMP22 protein function with a negative predictive value of 95%. In summary, the available evidence is currently insufficient to determine the role of this variant in disease. Therefore, it has been classified as a Variant of Uncertain Significance.

GeneDx
Classification: Uncertain significance. Last evaluated: 2022-03-22. Review status: criteria provided, single submitter. Criteria: GeneDx Variant Classification Process June 2021. Collection method: clinical testing. Allele origin: germline. Affected: yes.
Comment: Not observed at significant frequency in large population cohorts (gnomAD); In silico analysis supports that this missense variant does not alter protein structure/function; Has not been previously published as pathogenic or benign to our knowledge